The following is an entry in ClinVar:

ClinVar aggregate classification (germline): Conflicting classifications of pathogenicity. Review status: criteria provided, conflicting classifications (1 of 4 stars). 9 submissions from 9 submitters: Uncertain significance (5); Likely benign (1). 3 of the submissions do not count toward it. Last evaluated 2026-10-07.

Conditions:
Cardiovascular phenotype. Identifiers: MedGen CN230736.
Alstrom syndrome (ALMS). Identifiers: Orphanet 64, MedGen C0268425, MONDO:0008763, OMIM 203800.

Allele frequency attached by ClinVar (database versions not stated): ESP Exome Variant Server 0.00041; gnomAD exomes 0.00026 and 0.00047; TOPMed 0.00035; gnomAD 0.00037 and 0.00039; ExAC 0.00022.
gnomAD v4.1: 735 of 1,613,726 alleles (0.046%); highest among the groups gnomAD compares: Non-Finnish European, 0.059%; no homozygotes.

Submissions (9):

GeneDx
Classification: Uncertain significance. Last evaluated: 2026-10-07. Review status: criteria provided, single submitter. Criteria: GeneDx Variant Classification Process June 2021. Collection method: clinical testing. Allele origin: germline.
Comment: In silico analysis suggests that this missense variant does not alter protein structure/function; Has not been previously published as pathogenic or benign to our knowledge

Women's Health and Genetics/Laboratory Corporation of America, LabCorp
Classification: Uncertain significance. Last evaluated: 2024-09-30. Review status: criteria provided, single submitter. Criteria: LabCorp Variant Classification Summary - May 2015. Collection method: clinical testing. Allele origin: germline.
Comment: Variant summary: ALMS1 c.2062A>G (p.Thr688Ala), alternate nomenclature p.Thr689Ala/p.Thr690Ala, results in a non-conservative amino acid change in the encoded protein sequence. Three of five in-silico tools predict a benign effect of the variant on protein function. The variant allele was found at a frequency of 0.00026 in 248908 control chromosomes. This frequency is not significantly higher than estimated for a pathogenic variant in ALMS1 causing Alstrom Syndrome (0.00026 vs 0.0014), allowing no conclusion about variant significance. To our knowledge, no occurrence of c.2062A>G in individuals affected with Alstrom Syndrome and no experimental evidence demonstrating its impact on protein function have been reported. ClinVar contains an entry for this variant (Variation ID: 240985). Based on the evidence outlined above, the variant was classified as uncertain significance.

Blueprint Genetics
Classification: Uncertain significance. Last evaluated: 2024-09-24. Review status: criteria provided, single submitter. Criteria: ACMG Guidelines, 2015. Collection method: clinical testing. Allele origin: germline.

Labcorp Genetics (formerly Invitae), Labcorp
Classification: Uncertain significance for Alstrom syndrome. Last evaluated: 2022-10-18. Review status: criteria provided, single submitter. Criteria: Invitae Variant Classification Sherloc (09022015). Collection method: clinical testing. Allele origin: germline.
Comment: This sequence change replaces threonine, which is neutral and polar, with alanine, which is neutral and non-polar, at codon 690 of the ALMS1 protein (p.Thr690Ala). This variant is present in population databases (rs201804994, gnomAD 0.05%). This variant has not been reported in the literature in individuals affected with ALMS1-related conditions. ClinVar contains an entry for this variant (Variation ID: 240985). Experimental studies and prediction algorithms are not available or were not evaluated, and the functional significance of this variant is currently unknown. In summary, the available evidence is currently insufficient to determine the role of this variant in disease. Therefore, it has been classified as a Variant of Uncertain Significance.

Fulgent Genetics
Classification: Uncertain significance for Alstrom syndrome. Last evaluated: 2022-03-26. Review status: criteria provided, single submitter. Criteria: ACMG Guidelines, 2015. Collection method: clinical testing. Allele origin: unknown.

Ambry Genetics
Classification: Likely benign for Cardiovascular phenotype. Last evaluated: 2021-04-21. Review status: criteria provided, single submitter. Criteria: Ambry Variant Classification Scheme 2023. Collection method: clinical testing. Allele origin: germline.

Natera, Inc.
Classification: Uncertain significance for Alstrom syndrome. Last evaluated: 2020-01-24. Review status: no assertion criteria provided. Collection method: clinical testing. Allele origin: germline. Not counted in ClinVar's aggregate classification.

Clinical Genetics DNA and cytogenetics Diagnostics Lab, Erasmus MC, Erasmus Medical Center
Classification: Uncertain significance. Review status: no assertion criteria provided. Collection method: clinical testing. Allele origin: germline. Affected: yes. Study: VKGL Data-share Consensus. Not counted in ClinVar's aggregate classification.

Joint Genome Diagnostic Labs from Nijmegen and Maastricht, Radboudumc and MUMC+
Classification: Uncertain significance. Review status: no assertion criteria provided. Collection method: clinical testing. Allele origin: germline. Affected: yes. Study: VKGL Data-share Consensus. Not counted in ClinVar's aggregate classification.

NM_001378454.1(ALMS1):c.2065A>G (p.Thr689Ala)

Gene: ALMS1 (ALMS1 centrosome and basal body associated protein; plus strand). Cytogenetic location: 2p13.1.
Variant type: single nucleotide variant.
Coding change: c.2065A>G on transcript NM_001378454.1 (MANE Select); coding-DNA position 2065, A replaced by G.
Protein change: p.Thr689Ala; replaces threonine 689 with alanine.
Molecular consequence: missense variant.
Genome position (GRCh38, 1-based): chr2:73,448,592, A>G. VCF-style: chr2-73448592-A-G. GRCh37 (hg19) VCF-style: chr2-73675719-A-G.
Other names: c.2068A>G, p.Thr690Ala (NM_015120.4); short protein forms T690A, T689A.
Identifiers: ClinVar variation 240985 (VCV000240985.18), dbSNP rs201804994, ClinGen allele CA1713272.